The following is an entry in ClinVar:

NM_000748.3(CHRNB2):c.82A>G (p.Thr28Ala)

Gene: CHRNB2 (cholinergic receptor nicotinic beta 2 subunit; plus strand). Cytogenetic location: 1q21.3.
Variant type: single nucleotide variant.
Coding change: c.82A>G on transcript NM_000748.3 (MANE Select); coding-DNA position 82, A replaced by G.
Protein change: p.Thr28Ala; replaces threonine 28 with alanine.
Molecular consequence: missense variant.
Genome position (GRCh38, 1-based): chr1:154,569,479, A>G. VCF-style: chr1-154569479-A-G. GRCh37 (hg19) VCF-style: chr1-154541955-A-G.
Other names: c.82A>G (NM_000748.2); short protein forms T28A.
Identifiers: ClinVar variation 1514740 (VCV001514740.9), dbSNP rs2149366120, ClinGen allele CA342629206.

ClinVar aggregate classification (germline): Uncertain significance. Review status: criteria provided, multiple submitters, no conflicts (2 of 4 stars). 2 submissions from 2 submitters: Uncertain significance (2). Last evaluated 2025-04-01.

Conditions:
Familial sleep-related hypermotor epilepsy. Also called: Autosomal Dominant Sleep-Related Hypermotor (Hyperkinetic) Epilepsy. Identifiers: Orphanet 98784, MedGen C3696898, MONDO:0000030.
Inborn genetic diseases. Identifiers: MedGen C0950123, MeSH D030342.

Submissions (2):

Ambry Genetics
Classification: Uncertain significance for Inborn genetic diseases. Last evaluated: 2025-04-01. Review status: criteria provided, single submitter. Criteria: Ambry Variant Classification Scheme 2023. Collection method: clinical testing. Allele origin: germline.

Labcorp Genetics (formerly Invitae), Labcorp
Classification: Uncertain significance. Last evaluated: 2023-08-05. Review status: criteria provided, single submitter. Criteria: Invitae Variant Classification Sherloc (09022015). Collection method: clinical testing. Allele origin: germline.
Comment: In summary, the available evidence is currently insufficient to determine the role of this variant in disease. Therefore, it has been classified as a Variant of Uncertain Significance. Advanced modeling of protein sequence and biophysical properties (such as structural, functional, and spatial information, amino acid conservation, physicochemical variation, residue mobility, and thermodynamic stability) performed at Invitae indicates that this missense variant is not expected to disrupt CHRNB2 protein function. ClinVar contains an entry for this variant (Variation ID: 1514740). This variant has not been reported in the literature in individuals affected with CHRNB2-related conditions. This variant is not present in population databases (gnomAD no frequency). This sequence change replaces threonine, which is neutral and polar, with alanine, which is neutral and non-polar, at codon 28 of the CHRNB2 protein (p.Thr28Ala).